The following is an entry in ClinVar:

NM_001048174.2(MUTYH):c.896C>A (p.Pro299His)

Gene: MUTYH (mutY DNA glycosylase; minus strand). Cytogenetic location: 1p34.1.
Variant type: single nucleotide variant.
Coding change: c.896C>A on transcript NM_001048174.2 (MANE Select); coding-DNA position 896, C replaced by A.
Protein change: p.Pro299His; replaces proline 299 with histidine.
Molecular consequence: missense variant. On other transcripts: non-coding transcript variant (7).
Genome position (GRCh38, 1-based): chr1:45,332,040, G>T on the plus strand (C>A on the coding strand, the complement: MUTYH is on the minus strand). VCF-style: chr1-45332040-G-T. GRCh37 (hg19) VCF-style: chr1-45797712-G-T.
Other names: c.620C>A, p.Pro207His (NM_001293192.2, NM_001293196.2, NM_001407091.1); c.896C>A, p.Pro299His (NM_001293195.2, NM_001407070.1, NM_001407072.1 and 6 more transcripts); c.551C>A, p.Pro184His (NM_001350650.2, NM_001350651.2, NM_001407082.1); c.929C>A, p.Pro310His (NM_001407069.1, NM_001407077.1, NM_001293191.2); c.899C>A, p.Pro300His (NM_001407071.1, NM_001407078.1, NM_001407086.1 and 1 more transcripts); c.812C>A, p.Pro271His (NM_001407075.1); c.857C>A, p.Pro286His (NM_001407079.1); c.854C>A, p.Pro285His (NM_001407080.1); and 5 more; short protein forms P207H, P285H, P286H, P300H, P310H, P313H, P314H, P306H.
Identifiers: ClinVar variation 4112830 (VCV004112830.1).
Genomic context (GRCh38, chr1:45,332,040, plus strand): 5'-TGGGCCAGGAAGGGTTGGGGTGGGGGCTAGGTTTGGTGCTCACCACACTCCTCCACGTCA[G>T]GACTGCCCGACAGGCTCCCTGAGGCTAAGAGCTGTTCCTGCTCCACCTGAGAGGCACAGG-3'
Protein context (NP_001041639.1, residues 289-309): LLASGSLSGS[Pro299His]DVEECAPNTG

ClinVar aggregate classification (germline): Uncertain significance (1 of 4 stars; one submission).

Conditions:
Hereditary cancer-predisposing syndrome. Also called: Tumor predisposition; Neoplastic Syndromes, Hereditary; Hereditary neoplastic syndrome; Hereditary Cancer Syndrome. Identifiers: Orphanet 140162, MedGen C0027672, MeSH D009386, MONDO:0015356.

Submission:

Ambry Genetics
Classification: Uncertain significance for Hereditary cancer-predisposing syndrome. Last evaluated: 2025-08-27. Review status: criteria provided, single submitter. Criteria: Ambry Variant Classification Scheme 2023. Collection method: clinical testing. Allele origin: germline.
Comment: The p.P327H variant (also known as c.980C>A), located in coding exon 11 of the MUTYH gene, results from a C to A substitution at nucleotide position 980. The proline at codon 327 is replaced by histidine, an amino acid with similar properties. This amino acid position is conserved. In addition, this alteration is predicted to be tolerated by in silico analysis. Based on the available evidence, the clinical significance of this variant remains unclear.